The following is an entry in ClinVar:

ClinVar aggregate classification (germline): Pathogenic. Review status: reviewed by expert panel (3 of 4 stars). 2 submissions from 2 submitters: Pathogenic (1). 1 of the submissions does not count toward it. Last evaluated 2016-10-18.

Conditions:
Breast-ovarian cancer, familial, susceptibility to, 2 (BROVCA2). Also called: BRCA2 Hereditary Breast and Ovarian Cancer. Identifiers: Orphanet 145, MedGen C2675520, MONDO:0012933, OMIM 612555. Disease mechanism: loss of function.

Submissions (2):

Evidence-based Network for the Interpretation of Germline Mutant Alleles (ENIGMA)
Classification: Pathogenic for Breast-ovarian cancer, familial, susceptibility to, 2. Last evaluated: 2016-10-18. Review status: reviewed by expert panel. Criteria: ENIGMA BRCA1/2 Classification Criteria (2015). Collection method: curation. Allele origin: germline.
Comment: Variant allele predicted to encode a truncated non-functional protein.

Consortium of Investigators of Modifiers of BRCA1/2 (CIMBA), c/o University of Cambridge
Classification: Pathogenic for Breast-ovarian cancer, familial, susceptibility to, 2. Last evaluated: 2015-10-02. Review status: criteria provided, single submitter. Criteria: CIMBA Mutation Classification guidelines May 2016. Collection method: clinical testing. Allele origin: germline. Not counted in ClinVar's aggregate classification.

NM_000059.4(BRCA2):c.1540dup (p.Glu514fs)

Gene: BRCA2 (BRCA2 DNA repair associated; plus strand). Cytogenetic location: 13q13.1.
Variant type: Duplication.
Coding change: c.1540dup on transcript NM_000059.4 (MANE Select); coding-DNA position 1540, one base duplicated (G; older notation c.1540dupG).
Protein change: p.Glu514fs; shifts the reading frame from glutamic acid 514.
Molecular consequence: frameshift variant.
Genome position (GRCh38, 1-based): chr13:32,333,018, G duplicated. VCF-style (leftmost placement, unchanged base first): chr13-32333017-A-AG. GRCh37 (hg19) VCF-style: chr13-32907154-A-AG.
Other names: 1768insG; c.1540dupG (NM_000059.3); short protein forms E514fs.
Identifiers: ClinVar variation 51140 (VCV000051140.7), dbSNP rs397507593, ClinGen allele CA012328.